The following is an entry in ClinVar:

NM_002834.5(PTPN11):c.1289G>C (p.Ser430Thr)

Gene: PTPN11 (protein tyrosine phosphatase non-receptor type 11; plus strand). Cytogenetic location: 12q24.13.
Variant type: single nucleotide variant.
Coding change: c.1289G>C on transcript NM_002834.5 (MANE Select); coding-DNA position 1289, G replaced by C.
Protein change: p.Ser430Thr; replaces serine 430 with threonine.
Molecular consequence: missense variant.
Genome position (GRCh38, 1-based): chr12:112,486,539, G>C. VCF-style: chr12-112486539-G-C. GRCh37 (hg19) VCF-style: chr12-112924343-G-C.
Other names: c.1301G>C, p.Ser434Thr (NM_001330437.2); c.1286G>C, p.Ser429Thr (NM_001374625.1); c.1289G>C, p.Ser430Thr (NM_080601.3); short protein forms S430T, S429T, S434T.
Identifiers: ClinVar variation 3940431 (VCV003940431.1).

ClinVar aggregate classification (germline): Uncertain significance (1 of 4 stars; one submission).

Conditions:
Cardiovascular phenotype. Identifiers: MedGen CN230736.

Submission:

Ambry Genetics
Classification: Uncertain significance for Cardiovascular phenotype. Last evaluated: 2025-05-31. Review status: criteria provided, single submitter. Criteria: Ambry Variant Classification Scheme 2023. Collection method: clinical testing. Allele origin: germline.
Comment: The p.S430T variant (also known as c.1289G>C), located in coding exon 11 of the PTPN11 gene, results from a G to C substitution at nucleotide position 1289. The serine at codon 430 is replaced by threonine, an amino acid with similar properties. This amino acid position is conserved. In addition, this alteration is predicted to be tolerated by in silico analysis. Based on the available evidence, the clinical significance of this variant remains unclear.